The following is an entry in ClinVar:

ClinVar aggregate classification (germline): Likely benign (0 of 4 stars; one submission).

Conditions:
STARD9-related disorder. Also called: STARD9-related condition.

Allele frequency attached by ClinVar (database versions not stated): gnomAD exomes below 0.00001; TOPMed 0.00001; gnomAD 0.00003.
gnomAD v4.1: 7 of 1,537,056 alleles (0.00046%); highest among the groups gnomAD compares: African/African-American, 0.0082%; no homozygotes.

Submission:

PreventionGenetics, part of Exact Sciences
Classification: Likely benign for STARD9-related condition. Last evaluated: 2019-06-07. Review status: no assertion criteria provided. Collection method: clinical testing. Allele origin: germline.
Comment: This variant is classified as likely benign based on ACMG/AMP sequence variant interpretation guidelines (Richards et al. 2015 PMID: 25741868, with internal and published modifications).

NM_020759.3(STARD9):c.12789C>T (p.Leu4263=)

Gene: STARD9 (StAR related lipid transfer domain containing 9; plus strand). Cytogenetic location: 15q15.2.
Variant type: single nucleotide variant.
Coding change: c.12789C>T on transcript NM_020759.3 (MANE Select); coding-DNA position 12789, C replaced by T.
Protein change: p.Leu4263=; no amino-acid change (leucine 4263 retained).
Molecular consequence: synonymous variant.
Genome position (GRCh38, 1-based): chr15:42,694,552, C>T. VCF-style: chr15-42694552-C-T. GRCh37 (hg19) VCF-style: chr15-42986750-C-T.
Identifiers: ClinVar variation 3033950 (VCV003033950.2), dbSNP rs967733849, ClinGen allele CA269905009.